The following is an entry in ClinVar:

ClinVar aggregate classification (germline): Pathogenic (1 of 4 stars; one submission).

Conditions:
CHARGE syndrome (CHARGE). Also called: Coloboma, heart anomaly, choanal atresia, retardation, genital and ear anomalies; CHARGE association; Hall-Hittner syndrome; Hittner Hirsch Kreh syndrome; CHARGE ASSOCIATION--COLOBOMA, HEART ANOMALY, CHOANAL ATRESIA, RETARDATION, GENITAL AND EAR ANOMALIES. Identifiers: Orphanet 138, MedGen C0265354, MONDO:0008965.

Submission:

Labcorp Genetics (formerly Invitae), Labcorp
Classification: Pathogenic for CHARGE syndrome. Last evaluated: 2021-07-03. Review status: criteria provided, single submitter. Criteria: Invitae Variant Classification Sherloc (09022015). Collection method: clinical testing. Allele origin: germline.
Comment: For these reasons, this variant has been classified as Pathogenic. This variant has not been reported in the literature in individuals affected with CHD7-related conditions. This variant is not present in population databases (ExAC no frequency). This sequence change creates a premature translational stop signal (p.Pro731Thrfs*8) in the CHD7 gene. It is expected to result in an absent or disrupted protein product. Loss-of-function variants in CHD7 are known to be pathogenic (PMID: 22461308, 25077900).

Literature cited by the submitters: PubMed 22461308; PubMed 25077900.

NM_017780.4(CHD7):c.2189dup (p.Pro731fs)

Gene: CHD7 (chromodomain helicase DNA binding protein 7; plus strand). Cytogenetic location: 8q12.2.
Variant type: Duplication.
Coding change: c.2189dup on transcript NM_017780.4 (MANE Select); coding-DNA position 2189, one base duplicated (C; older notation c.2189dupC).
Protein change: p.Pro731fs; shifts the reading frame from proline 731.
Molecular consequence: frameshift variant. On other transcripts: intron variant (1).
Genome position (GRCh38, 1-based): chr8:60,795,078, C duplicated. VCF-style (leftmost placement, unchanged base first): chr8-60795077-A-AC. GRCh37 (hg19) VCF-style: chr8-61707636-A-AC.
Other names: c.1716+14028dup (NM_001316690.1); short protein forms P731fs.
Identifiers: ClinVar variation 1448047 (VCV001448047.6), dbSNP rs2150697787, ClinGen allele CA2573143296.
Genomic context (GRCh38, chr8:60,795,077, plus strand): 5'-TTGAAGAAAAAGGTCAACAAGGGAAAAACAGAAGGTTCTGAAAATTCAGACTTAGACAAA[A>AC]CACCCCCACCATCTCCTCCTCCTGAAGAAGATGAGGACCCAGGTGTTCAGGTAATACAAT-3'